The following is an entry in ClinVar:

NM_001267550.2(TTN):c.48102A>G (p.Thr16034=)

Genes: TTN (titin; minus strand), TTN-AS1 (TTN antisense RNA 1; plus strand). Cytogenetic location: 2q31.2.
Variant type: single nucleotide variant.
Coding change: c.48102A>G on transcript NM_001267550.2 (MANE Select); coding-DNA position 48102, A replaced by G.
Protein change: p.Thr16034=; no amino-acid change (threonine 16034 retained).
Molecular consequence: synonymous variant.
Genome position (GRCh38, 1-based): chr2:178,616,787, T>C on the plus strand (A>G on the coding strand, the complement: TTN is on the minus strand). VCF-style: chr2-178616787-T-C. GRCh37 (hg19) VCF-style: chr2-179481514-T-C.
Other names: c.43179A>G, p.Thr14393= (NM_001256850.1); c.20907A>G, p.Thr6969= (NM_003319.4); c.40398A>G, p.Thr13466= (NM_133378.4); c.21282A>G, p.Thr7094= (NM_133432.3); c.21483A>G, p.Thr7161= (NM_133437.4).
Identifiers: ClinVar variation 1145352 (VCV001145352.38), dbSNP rs775753109, ClinGen allele CA1994916.

ClinVar aggregate classification (germline): Likely benign. Review status: criteria provided, multiple submitters, no conflicts (2 of 4 stars). 3 submissions from 3 submitters: Likely benign (3). Last evaluated 2025-06-04.

Conditions:
Cardiovascular phenotype. Identifiers: MedGen CN230736.
Dilated cardiomyopathy 1G (CMD1G). Identifiers: Orphanet 154, MedGen C1858763, MONDO:0011400, OMIM 604145.
Autosomal recessive limb-girdle muscular dystrophy type 2J (LGMDR10). Also called: MUSCULAR DYSTROPHY, LIMB-GIRDLE, AUTOSOMAL RECESSIVE 10; Limb-girdle muscular dystrophy, type 2J. Identifiers: Orphanet 140922, MedGen C1837342, MONDO:0012127, OMIM 608807.

Allele frequency attached by ClinVar (database versions not stated): gnomAD exomes below 0.00001 and 0.00001; ExAC 0.00001; TOPMed 0.00001; gnomAD 0.00002.
gnomAD v4.1: 10 of 1,612,664 alleles (0.00062%); highest among the groups gnomAD compares: Non-Finnish European, 0.00085%; no homozygotes.

Submissions (3):

Labcorp Genetics (formerly Invitae), Labcorp
Classification: Likely benign for Dilated cardiomyopathy 1G; Autosomal recessive limb-girdle muscular dystrophy type 2J. Last evaluated: 2025-06-04. Review status: criteria provided, single submitter. Criteria: Invitae Variant Classification Sherloc (09022015). Collection method: clinical testing. Allele origin: germline.

Ambry Genetics
Classification: Likely benign for Cardiovascular phenotype. Last evaluated: 2025-04-30. Review status: criteria provided, single submitter. Criteria: Ambry Variant Classification Scheme 2023. Collection method: clinical testing. Allele origin: germline.

CeGaT Center for Human Genetics Tuebingen
Classification: Likely benign. Last evaluated: 2024-07-01. Review status: criteria provided, single submitter. Criteria: CeGaT Center For Human Genetics Tuebingen Variant Classification Criteria Version 2. Collection method: clinical testing. Allele origin: germline. Affected: yes. Observed: 2 variant alleles.
Comment: TTN: BP4, BP7